The following is an entry in ClinVar:

NM_014714.4(IFT140):c.4366G>A (p.Glu1456Lys)

Gene: IFT140 (intraflagellar transport 140; minus strand). Cytogenetic location: 16p13.3.
Variant type: single nucleotide variant.
Coding change: c.4366G>A on transcript NM_014714.4 (MANE Select); coding-DNA position 4366, G replaced by A.
Protein change: p.Glu1456Lys; replaces glutamic acid 1456 with lysine.
Molecular consequence: missense variant.
Genome position (GRCh38, 1-based): chr16:1,510,967, C>T on the plus strand (G>A on the coding strand, the complement: IFT140 is on the minus strand). VCF-style: chr16-1510967-C-T. GRCh37 (hg19) VCF-style: chr16-1560968-C-T.
Other names: short protein forms E1456K.
Identifiers: ClinVar variation 1439335 (VCV001439335.9), dbSNP rs1386131080, ClinGen allele CA394222222.

ClinVar aggregate classification (germline): Uncertain significance. Review status: criteria provided, multiple submitters, no conflicts (2 of 4 stars). 2 submissions from 2 submitters: Uncertain significance (2). Last evaluated 2022-11-02.

Conditions:
Saldino-Mainzer syndrome (SRTD9). Also called: Renal dysplasia, retinal pigmentary dystrophy, cerebellar ataxia and skeletal dysplasia; short-rib thoracic dysplasia 9 with or without polydactyly; CONORENAL SYNDROME; SHORT-RIB THORACIC DYSPLASIA 9 WITHOUT POLYDACTYLY. Identifiers: Orphanet 140969, MedGen C1849437, MONDO:0009964, OMIM 266920.

Allele frequency attached by ClinVar (database versions not stated): gnomAD exomes below 0.00001; TOPMed 0.00002.
gnomAD v4.1: 2 of 1,612,252 alleles (0.00012%); highest among the groups gnomAD compares: Admixed American, 0.0033%; no homozygotes.

Submissions (2):

Blueprint Genetics
Classification: Uncertain significance. Last evaluated: 2022-11-02. Review status: criteria provided, single submitter. Criteria: ACMG Guidelines, 2015. Collection method: clinical testing. Allele origin: germline.

Labcorp Genetics (formerly Invitae), Labcorp
Classification: Uncertain significance for Saldino-Mainzer syndrome. Last evaluated: 2020-12-03. Review status: criteria provided, single submitter. Criteria: Invitae Variant Classification Sherloc (09022015). Collection method: clinical testing. Allele origin: germline.
Comment: In summary, the available evidence is currently insufficient to determine the role of this variant in disease. Therefore, it has been classified as a Variant of Uncertain Significance. Algorithms developed to predict the effect of missense changes on protein structure and function are either unavailable or do not agree on the potential impact of this missense change (SIFT: "Tolerated"; PolyPhen-2: "Not Available"; Align-GVGD: "Class C0"). This variant has not been reported in the literature in individuals with IFT140-related conditions. This variant is not present in population databases (ExAC no frequency). This sequence change replaces glutamic acid with lysine at codon 1456 of the IFT140 protein (p.Glu1456Lys). The glutamic acid residue is moderately conserved and there is a small physicochemical difference between glutamic acid and lysine.